The following is an entry in ClinVar:

ClinVar aggregate classification (germline): Conflicting classifications of pathogenicity. Review status: criteria provided, conflicting classifications (1 of 4 stars). 4 submissions from 2 submitters: Uncertain significance (3); Likely benign (1). Last evaluated 2025-03-18.

Conditions:
WT1-related disorder. Also called: WT1-related disorders. Identifiers: MedGen CN377814.
Nephrotic syndrome, type 4 (NPHS4). Also called: Familial mesangial sclerosis; Nephrotic syndrome, early onset with diffuse mesangial sclerosis. Identifiers: Orphanet 656, MedGen C3151568, MONDO:0009733, OMIM 256370.
Wilms tumor 1 (WT1). Also called: Wilms tumor, somatic. Identifiers: Orphanet 654, MedGen CN033288, MONDO:0008679, OMIM 194070.
Meacham syndrome. Also called: Meacham Winn Culler syndrome. Identifiers: Orphanet 3097, MedGen C1837026, MONDO:0012164, OMIM 608978.

Submissions (4):

PreventionGenetics, part of Exact Sciences
Classification: Likely benign for WT1-related condition. Last evaluated: 2025-03-18. Review status: criteria provided, single submitter. Criteria: ACMG Guidelines, 2015. Collection method: clinical testing. Allele origin: germline.
Comment: This variant is classified as likely benign based on ACMG/AMP sequence variant interpretation guidelines (Richards et al. 2015 PMID: 25741868, with internal and published modifications).

Illumina Laboratory Services, Illumina
Classification: Uncertain significance for Nephrotic syndrome, type 4. Last evaluated: 2018-01-12. Review status: criteria provided, single submitter. Criteria: ICSL Variant Classification Criteria 13 December 2019. Collection method: clinical testing. Allele origin: germline.

Illumina Laboratory Services, Illumina
Classification: Uncertain significance for Wilms tumor 1. Last evaluated: 2018-01-12. Review status: criteria provided, single submitter. Criteria: ICSL Variant Classification Criteria 13 December 2019. Collection method: clinical testing. Allele origin: germline.

Illumina Laboratory Services, Illumina
Classification: Uncertain significance for Meacham syndrome. Last evaluated: 2018-01-12. Review status: criteria provided, single submitter. Criteria: ICSL Variant Classification Criteria 13 December 2019. Collection method: clinical testing. Allele origin: germline.

NM_024426.6(WT1):c.-114T>A

Genes: WT1 (WT1 transcription factor; minus strand), LOC107982234 (WT1/WT1-AS bi-directional promoter region; plus strand). Cytogenetic location: 11p13.
Variant type: single nucleotide variant.
Coding change: c.-114T>A on transcript NM_024426.6 (MANE Select); 114 bases upstream of the start codon, T replaced by A.
Molecular consequence: 5 prime UTR variant. On other transcripts: non-coding transcript variant (1).
Genome position (GRCh38, 1-based): chr11:32,435,474, A>T on the plus strand (T>A on the coding strand, the complement: WT1 is on the minus strand). VCF-style: chr11-32435474-A-T. GRCh37 (hg19) VCF-style: chr11-32457020-A-T.
Other names: c.-114T>A (NM_000378.6, NM_024424.5).
Identifiers: ClinVar variation 304440 (VCV000304440.6), dbSNP rs886048242, ClinGen allele CA10630781.